The following is an entry in ClinVar:

NM_018489.3(ASH1L):c.4462A>G (p.Lys1488Glu)

Gene: ASH1L (ASH1 like histone lysine methyltransferase; minus strand). Cytogenetic location: 1q22.
Variant type: single nucleotide variant.
Coding change: c.4462A>G on transcript NM_018489.3 (MANE Select); coding-DNA position 4462, A replaced by G.
Protein change: p.Lys1488Glu; replaces lysine 1488 with glutamic acid.
Molecular consequence: missense variant.
Genome position (GRCh38, 1-based): chr1:155,478,408, T>C on the plus strand (A>G on the coding strand, the complement: ASH1L is on the minus strand). VCF-style: chr1-155478408-T-C. GRCh37 (hg19) VCF-style: chr1-155448199-T-C.
Other names: c.4462A>G, p.Lys1488Glu (NM_001366177.2); short protein forms K1488E.
Identifiers: ClinVar variation 4527911 (VCV004527911.1).
Genomic context (GRCh38, chr1:155,478,408, plus strand): 5'-GGGAAGAGCCAGTGTCCATAGAAACCTGGGGTTGTTCAGAAGAACGGTGTTCTCTGTGTT[T>C]GTGACGGTGCCTGTGTTTGTGCTCAACCATCCAACCATAGGCCATCTCAGGAGGAACACT-3'
Protein context (NP_060959.2, residues 1478-1498): MVEHKHRHRH[Lys1488Glu]HREHRSSEQP

ClinVar aggregate classification (germline): Uncertain significance (1 of 4 stars; one submission).

Submission:

GeneDx
Classification: Uncertain significance. Last evaluated: 2025-05-07. Review status: criteria provided, single submitter. Criteria: GeneDx Variant Classification Process June 2021. Collection method: clinical testing. Allele origin: germline. Affected: yes.
Comment: Not observed at significant frequency in large population cohorts (gnomAD); In silico analysis suggests that this missense variant does not alter protein structure/function; Has not been previously published as pathogenic or benign to our knowledge